The following continues an entry in ClinVar:

NM_000492.4(CFTR):c.1516ATC[1] (p.Ile507del)

ClinVar aggregate classification (germline): Pathogenic. Pathogenic (1).

Submissions 12 to 33 of 34:

ARUP Laboratories, Molecular Genetics and Genomics, ARUP Laboratories
Classification: Pathogenic for Cystic fibrosis. Last evaluated: 2024-07-31. Review status: criteria provided, single submitter. Criteria: ARUP Molecular Germline Variant Investigation Process 2024. Collection method: clinical testing. Allele origin: germline. Not counted in ClinVar's aggregate classification.
Comment: The CFTR c.1519_1521del; p.Ile507del (I507del) variant has been reported in multiple cystic fibrosis patients and is associated with pancreatic insufficiency (CFTR2 database, McKone 2003, Sosnay 2013). This variant is considered to cause cystic fibrosis when identified with another pathogenic variant on the opposite chromosome. References: CFTR2 database: McKone EF et al. Effect of genotype on phenotype and mortality in cystic fibrosis: a retrospective cohort study. Lancet. 2003 May 17;361(9370):1671-6. PMID: 12767731. Sosnay PR et al. Defining the disease liability of variants in the cystic fibrosis transmembrane conductance regulator gene. Nat Genet. 2013; 45(10):1160-7. PMID: 23974870.

Fulgent Genetics
Classification: Pathogenic for Hereditary pancreatitis; Bronchiectasis with or without elevated sweat chloride 1; Cystic fibrosis; Congenital bilateral aplasia of vas deferens from CFTR mutation. Last evaluated: 2024-05-02. Review status: criteria provided, single submitter. Criteria: ACMG Guidelines, 2015. Collection method: clinical testing. Allele origin: germline. Not counted in ClinVar's aggregate classification.

Quest Diagnostics Nichols Institute San Juan Capistrano
Classification: Pathogenic. Last evaluated: 2024-04-03. Review status: criteria provided, single submitter. Criteria: Quest Diagnostics criteria. Collection method: clinical testing. Allele origin: unknown. Not counted in ClinVar's aggregate classification.
Comment: The CFTR c.1519_1521del (p.Ile507del) variant has been reported in the published literature in individuals with cystic fibrosis (CF) (PMIDs: 37313453 (2023), 36832409 (2023), 36102402 (2022), 34782259 (2021)). It is described as a known CF causing variant associated with pancreatic insufficiency (CFTR2, UMD, CFTR-France). Functional studies show the variant to be a Class II variant that results in little to no mature CFTR protein (PMIDs: 36759923 (2023), 24440181 (2014), 23974870 (2013)). The frequency of this variant in the general population, 0.00016 (4/24964 chromosomes (Genome Aggregation Database)), is consistent with pathogenicity. Based on the available information, this variant is classified as pathogenic.

Baylor Genetics
Classification: Pathogenic for Bronchiectasis with or without elevated sweat chloride 1. Last evaluated: 2024-03-25. Review status: criteria provided, single submitter. Criteria: ACMG Guidelines, 2015. Collection method: clinical testing. Allele origin: unknown. Not counted in ClinVar's aggregate classification.

Department of Pathology and Laboratory Medicine, Sinai Health System
Classification: Pathogenic for cystic fibrosis. Last evaluated: 2022-08-15. Review status: criteria provided, single submitter. Criteria: ACMG Guidelines, 2015. Collection method: research. Allele origin: germline. Not counted in ClinVar's aggregate classification.

Blueprint Genetics
Classification: Pathogenic for CFTR-related disorders. Last evaluated: 2022-08-09. Review status: criteria provided, single submitter. Criteria: ACMG Guidelines, 2015. Collection method: clinical testing. Allele origin: germline. Affected: yes. Observed: 5 variant alleles. Not counted in ClinVar's aggregate classification.

Laboratorio de Genetica e Diagnostico Molecular, Hospital Israelita Albert Einstein
Classification: Pathogenic for Cystic fibrosis. Last evaluated: 2022-08-09. Review status: criteria provided, single submitter. Criteria: ACMG Guidelines, 2015. Collection method: clinical testing. Allele origin: germline. Affected: yes. Observed: 1 variant allele. Not counted in ClinVar's aggregate classification.
Comment: ACMG classification criteria: PS4 strong, PM2 moderated, PM3 very strong, PM4

Mayo Clinic Laboratories, Mayo Clinic
Classification: Pathogenic. Last evaluated: 2022-07-08. Review status: criteria provided, single submitter. Criteria: ACMG Guidelines, 2015. Collection method: clinical testing. Allele origin: germline. Observed: 2 variant alleles. Not counted in ClinVar's aggregate classification.

GeneDx
Classification: Pathogenic. Last evaluated: 2021-07-19. Review status: criteria provided, single submitter. Criteria: GeneDx Variant Classification Process June 2021. Collection method: clinical testing. Allele origin: germline. Affected: yes. Not counted in ClinVar's aggregate classification.
Comment: In-frame deletion of 1 amino acid in a non-repeat region predicted to critically alter the protein; Published functional studies demonstrate a damaging effect: decreased chloride conductance (Sosnay 2013); Observed multiple times with a pathogenic variant in patients with cystic fibrosis or disseminated bronchiectasis in published literature, but it is not known whether the variants occurred on the same (in cis) or on different (in trans) chromosomes in some cases (Kerem 1990, Girodon 1997, McKone 2003); In silico analysis supports a deleterious effect on protein structure/function; This variant is associated with the following publications: (PMID: 31036917, 12767731, 31665830, 29261177, 25797027, 2236053, 18456578, 21228398, 22658665, 22975760, 9272738, 24440181, 23974870)

Johns Hopkins Genomics, Johns Hopkins University
Classification: Pathogenic for Cystic fibrosis. Last evaluated: 2021-07-07. Review status: criteria provided, single submitter. Criteria: ACMG Guidelines, 2015. Collection method: clinical testing. Allele origin: germline. Not counted in ClinVar's aggregate classification.
Comment: Disease-causing CFTR variant. See CFTR2 for phenotype information.

Myriad Genetics, Inc.
Classification: Pathogenic for Cystic fibrosis. Last evaluated: 2019-12-20. Review status: criteria provided, single submitter. Criteria: Myriad Women's Health Autosomal Recessive and X-Linked Classification Criteria (2019). Collection method: clinical testing. Allele origin: unknown. Not counted in ClinVar's aggregate classification.
Comment: NM_000492.3(CFTR):c.1519_1521delATC(aka I507del) is classified as pathogenic and is a classic variant in the context of cystic fibrosis. Sources cited for classification include the following: PMID: 23974870. Classification of NM_000492.3(CFTR):c.1519_1521delATC(aka I507del) is based on the following criteria: This is a well-established pathogenic variant in the literature that has been observed more frequently in patients with clinical diagnoses than in healthy populations. Please note: this variant was assessed in the context of healthy population screening.

Mendelics
Classification: Pathogenic for Cystic fibrosis. Last evaluated: 2018-11-05. Review status: criteria provided, single submitter. Criteria: Mendelics Assertion Criteria 2017. Collection method: clinical testing. Allele origin: unknown. Affected: yes. Not counted in ClinVar's aggregate classification.

CFTR-France
Classification: Pathogenic for cystic fibrosis. Last evaluated: 2018-01-29. Review status: criteria provided, single submitter. Criteria: Claustres M et al. (Hum Mutat 2017). Collection method: curation. Allele origin: germline. Affected: yes. Not counted in ClinVar's aggregate classification.

Women's Health and Genetics/Laboratory Corporation of America, LabCorp
Classification: Pathogenic. Last evaluated: 2017-10-30. Review status: criteria provided, single submitter. Criteria: LabCorp Variant Classification Summary - May 2015. Collection method: clinical testing. Allele origin: germline. Not counted in ClinVar's aggregate classification.
Comment: Variant summary: The CFTR c.1519_1521delATC (p.Ile507del) variant involves the deletion of three nucleotides, leading to an in-frame deletion of a isoleucine residue in the ABC transporter-like and AAA+ ATPase domains (InterPro). One in silico tool predicts a damaging outcome for this variant. This variant was found in 10/276978 control chromosomes at a frequency of 0.0000361, which does not exceed the estimated maximal expected allele frequency of a pathogenic CFTR variant (0.0129603). The variant has been identified in many CF patients and is considered a common variant, as it was found in 1.6% of CF alleles in a large, nationwide retrospective study (McKone_2003). Patients with this variant have a mean chloride conductance of 0.2% as of the WT CFTR (Sosnay_2013). In addition, multiple clinical diagnostic laboratories/reputable databases classified this variant as pathogenic. Taken together, this variant is classified as pathogenic.

Center for Pediatric Genomic Medicine, Children's Mercy Hospital and Clinics
Classification: Pathogenic. Last evaluated: 2014-11-12. Review status: criteria provided, single submitter. Criteria: ACMG Guidelines, 2015. Collection method: clinical testing. Allele origin: germline. Not counted in ClinVar's aggregate classification.

Eurofins Ntd Llc (ga)
Classification: Pathogenic. Last evaluated: 2014-05-16. Review status: criteria provided, single submitter. Criteria: EGL Classification Definitions 2015. Collection method: clinical testing. Allele origin: germline. Observed: 2 variant alleles, 2 heterozygotes. Not counted in ClinVar's aggregate classification.

Baylor Genetics
Classification: Pathogenic for Congenital bilateral aplasia of vas deferens from CFTR mutation; Cystic fibrosis. Review status: criteria provided, single submitter. Criteria: ACMG Guidelines, 2015. Collection method: clinical testing. Allele origin: germline. Not counted in ClinVar's aggregate classification.

UNC Molecular Genetics  Laboratory, University of North Carolina at Chapel Hill
Classification: Pathogenic for Cystic fibrosis. Review status: criteria provided, single submitter. Criteria: ACMG Guidelines, 2015. Collection method: research. Allele origin: germline. Affected: no. Observed: 1 variant allele. Study: NSIGHT-NC NEXUS. Not counted in ClinVar's aggregate classification.
Comment: The CFTR c.1519_1521delATC (p.I507del) variant has been reported in individuals with cystic fibrosis (PMID: 2236053; 1999342; 8092189).

carrier finding

OMIM
Classification: Pathogenic for CYSTIC FIBROSIS. Last evaluated: 1994-06-01. Review status: no assertion criteria provided. Collection method: literature only. Allele origin: germline. Not counted in ClinVar's aggregate classification.

Clinical Genetics DNA and cytogenetics Diagnostics Lab, Erasmus MC, Erasmus Medical Center
Classification: Pathogenic. Review status: no assertion criteria provided. Collection method: clinical testing. Allele origin: germline. Affected: yes. Study: VKGL Data-share Consensus. Not counted in ClinVar's aggregate classification.

Diagnostic Laboratory, Department of Genetics, University Medical Center Groningen
Classification: Pathogenic. Review status: no assertion criteria provided. Collection method: clinical testing. Allele origin: germline. Affected: yes. Study: VKGL Data-share Consensus. Not counted in ClinVar's aggregate classification.

GeneReviews
No classification provided. Condition: Cystic fibrosis. Review status: no classification provided. Collection method: literature only. Allele origin: unknown. Not counted in ClinVar's aggregate classification.